The following is an entry in ClinVar:

NM_001378328.1(CELSR1):c.8013G>T (p.Gly2671=)

Gene: CELSR1 (cadherin EGF LAG seven-pass G-type receptor 1; minus strand). Cytogenetic location: 22q13.31.
Variant type: single nucleotide variant.
Coding change: c.8013G>T on transcript NM_001378328.1 (MANE Select); coding-DNA position 8013, G replaced by T.
Protein change: p.Gly2671=; no amino-acid change (glycine 2671 retained).
Molecular consequence: synonymous variant.
Genome position (GRCh38, 1-based): chr22:46,367,795, C>A on the plus strand (G>T on the coding strand, the complement: CELSR1 is on the minus strand). VCF-style: chr22-46367795-C-A. GRCh37 (hg19) VCF-style: chr22-46763692-C-A.
Other names: c.8013G>T, p.Gly2671= (NM_014246.4).
Identifiers: ClinVar variation 3056790 (VCV003056790.2), dbSNP rs11913544, ClinGen allele CA10293032.

ClinVar aggregate classification (germline): Likely benign (0 of 4 stars; one submission).

Conditions:
CELSR1-related disorder. Also called: CELSR1-related condition.

Allele frequency attached by ClinVar (database versions not stated): ExAC 0.01249; gnomAD 0.03389; 1000 Genomes Project 0.03674; TOPMed 0.03750; ESP Exome Variant Server 0.03824; 1000 Genomes Project 30x 0.03951.
gnomAD v4.1: 10,529 of 1,611,516 alleles (0.65%); highest among the groups gnomAD compares: African/African-American, 12%; 542 homozygotes.

Submission:

PreventionGenetics, part of Exact Sciences
Classification: Likely benign for CELSR1-related condition. Last evaluated: 2020-01-28. Review status: no assertion criteria provided. Collection method: clinical testing. Allele origin: germline.
Comment: This variant is classified as likely benign based on ACMG/AMP sequence variant interpretation guidelines (Richards et al. 2015 PMID: 25741868, with internal and published modifications).